The following is an entry in ClinVar:

ClinVar aggregate classification (germline): Uncertain significance (1 of 4 stars; one submission).

gnomAD v4.1: 2 of 1,549,662 alleles (0.00013%); highest among the groups gnomAD compares: Non-Finnish European, 0.00017%; no homozygotes.

Submission:

Labcorp Genetics (formerly Invitae), Labcorp
Classification: Uncertain significance. Last evaluated: 2022-07-17. Review status: criteria provided, single submitter. Criteria: Invitae Variant Classification Sherloc (09022015). Collection method: clinical testing. Allele origin: germline.
Comment: In summary, the available evidence is currently insufficient to determine the role of this variant in disease. Therefore, it has been classified as a Variant of Uncertain Significance. Algorithms developed to predict the effect of missense changes on protein structure and function are either unavailable or do not agree on the potential impact of this missense change (SIFT: "Not Available"; PolyPhen-2: "Probably Damaging"; Align-GVGD: "Not Available"). This variant has not been reported in the literature in individuals affected with ADAMTS17-related conditions. This variant is not present in population databases (gnomAD no frequency). This sequence change replaces valine, which is neutral and non-polar, with glutamic acid, which is acidic and polar, at codon 997 of the ADAMTS17 protein (p.Val997Glu).

NM_139057.4(ADAMTS17):c.2990T>A (p.Val997Glu)

Gene: ADAMTS17 (ADAM metallopeptidase with thrombospondin type 1 motif 17; minus strand). Cytogenetic location: 15q26.3.
Variant type: single nucleotide variant.
Coding change: c.2990T>A on transcript NM_139057.4 (MANE Select); coding-DNA position 2990, T replaced by A.
Protein change: p.Val997Glu; replaces valine 997 with glutamic acid.
Molecular consequence: missense variant.
Genome position (GRCh38, 1-based): chr15:99,976,182, A>T on the plus strand (T>A on the coding strand, the complement: ADAMTS17 is on the minus strand). VCF-style: chr15-99976182-A-T. GRCh37 (hg19) VCF-style: chr15-100516387-A-T.
Other names: short protein forms V997E.
Identifiers: ClinVar variation 2015409 (VCV002015409.4), dbSNP rs1307837349, ClinGen allele CA393692845.
Genomic context (GRCh38, chr15:99,976,182, plus strand): 5'-GGCTTCGAGAGGGCGGGGCACTCGCTGCCGTGGCGCCCTGTGACCTTGTGCATGCACTGC[A>T]CCACCCGGGACTGCAGGCCCTTCCCGCAGGTCGACGAGCACTGCAGAGACAGGACAGCCT-3'
Protein context (NP_620688.2, residues 987-1007): TCGKGLQSRV[Val997Glu]QCMHKVTGRH